The following is an entry in ClinVar:

ClinVar aggregate classification (germline): Uncertain significance (1 of 4 stars; one submission).

Allele frequency attached by ClinVar (database versions not stated): gnomAD exomes below 0.00001; TOPMed below 0.00001; gnomAD 0.00001.
gnomAD v4.1: 3 of 1,614,088 alleles (0.00019%); highest among the groups gnomAD compares: African/African-American, 0.0013%; no homozygotes.

Submission:

Labcorp Genetics (formerly Invitae), Labcorp
Classification: Uncertain significance. Last evaluated: 2023-09-04. Review status: criteria provided, single submitter. Criteria: Invitae Variant Classification Sherloc (09022015). Collection method: clinical testing. Allele origin: germline.
Comment: In summary, the available evidence is currently insufficient to determine the role of this variant in disease. Therefore, it has been classified as a Variant of Uncertain Significance. An algorithm developed to predict the effect of missense changes on protein structure and function (PolyPhen-2) suggests that this variant is likely to be tolerated. This variant has not been reported in the literature in individuals affected with CTR9-related conditions. This variant is not present in population databases (gnomAD no frequency). This sequence change replaces proline, which is neutral and non-polar, with glutamine, which is neutral and polar, at codon 1076 of the CTR9 protein (p.Pro1076Gln).

NM_014633.5(CTR9):c.3227C>A (p.Pro1076Gln)

Gene: CTR9 (CTR9 component of Paf1/RNA polymerase II complex; plus strand). Cytogenetic location: 11p15.4.
Variant type: single nucleotide variant.
Coding change: c.3227C>A on transcript NM_014633.5 (MANE Select); coding-DNA position 3227, C replaced by A.
Protein change: p.Pro1076Gln; replaces proline 1076 with glutamine.
Molecular consequence: missense variant.
Genome position (GRCh38, 1-based): chr11:10,778,810, C>A. VCF-style: chr11-10778810-C-A. GRCh37 (hg19) VCF-style: chr11-10800357-C-A.
Other names: c.3155C>A, p.Pro1052Gln (NM_001346279.2); short protein forms P1052Q, P1076Q.
Identifiers: ClinVar variation 2906560 (VCV002906560.3), dbSNP rs1420544425, ClinGen allele CA379679324.